The following is an entry in ClinVar:

ClinVar aggregate classification (germline): Uncertain significance. Review status: criteria provided, multiple submitters, no conflicts (2 of 4 stars). 2 submissions from 2 submitters: Uncertain significance (2). Last evaluated 2025-03-14.

Conditions:
Hereditary cancer-predisposing syndrome. Also called: Neoplastic Syndromes, Hereditary; Tumor predisposition; Hereditary neoplastic syndrome; Hereditary Cancer Syndrome. Identifiers: Orphanet 140162, MedGen C0027672, MeSH D009386, MONDO:0015356.
Cardiovascular phenotype. Identifiers: MedGen CN230736.
Neurofibromatosis, type 1 (NF1). Also called: NEUROFIBROMATOSIS, TYPE I, SOMATIC; Peripheral type neurofibromatosis; VON RECKLINGHAUSEN DISEASE; Neurofibromatosis, type I. Identifiers: Orphanet 636, MedGen C0027831, MONDO:0018975, OMIM 162200. Disease mechanism: loss of function.

Allele frequency attached by ClinVar (database versions not stated): gnomAD exomes below 0.00001.
gnomAD v4.1: 1 of 1,611,858 alleles (0.000062%); highest among the groups gnomAD compares: Non-Finnish European, 0.000085%; no homozygotes.

Submissions (2):

Ambry Genetics
Classification: Uncertain significance for Cardiovascular phenotype; Hereditary cancer-predisposing syndrome. Last evaluated: 2025-03-14. Review status: criteria provided, single submitter. Criteria: Ambry Variant Classification Scheme 2023. Collection method: clinical testing. Allele origin: germline.
Comment: The p.M840I variant (also known as c.2520G>A), located in coding exon 21 of the NF1 gene, results from a G to A substitution at nucleotide position 2520. The methionine at codon 840 is replaced by isoleucine, an amino acid with highly similar properties. This amino acid position is highly conserved in available vertebrate species. In addition, this alteration is predicted to be deleterious by in silico analysis. Based on the available evidence, the clinical significance of this variant remains unclear.

Labcorp Genetics (formerly Invitae), Labcorp
Classification: Uncertain significance for Neurofibromatosis, type 1. Last evaluated: 2024-12-02. Review status: criteria provided, single submitter. Criteria: Invitae Variant Classification Sherloc (09022015). Collection method: clinical testing. Allele origin: germline.
Comment: This sequence change replaces methionine, which is neutral and non-polar, with isoleucine, which is neutral and non-polar, at codon 840 of the NF1 protein (p.Met840Ile). This variant is not present in population databases (gnomAD no frequency). This variant has not been reported in the literature in individuals affected with NF1-related conditions. ClinVar contains an entry for this variant (Variation ID: 1792544). Invitae Evidence Modeling of protein sequence and biophysical properties (such as structural, functional, and spatial information, amino acid conservation, physicochemical variation, residue mobility, and thermodynamic stability) indicates that this missense variant is expected to disrupt NF1 protein function with a positive predictive value of 95%. In summary, the available evidence is currently insufficient to determine the role of this variant in disease. Therefore, it has been classified as a Variant of Uncertain Significance.

NM_001042492.3(NF1):c.2520G>A (p.Met840Ile)

Gene: NF1 (neurofibromin 1; plus strand). Cytogenetic location: 17q11.2.
Variant type: single nucleotide variant.
Coding change: c.2520G>A on transcript NM_001042492.3 (MANE Select); coding-DNA position 2520, G replaced by A.
Protein change: p.Met840Ile; replaces methionine 840 with isoleucine.
Molecular consequence: missense variant.
Genome position (GRCh38, 1-based): chr17:31,229,135, G>A. VCF-style: chr17-31229135-G-A. GRCh37 (hg19) VCF-style: chr17-29556153-G-A.
Other names: c.2520G>A, p.Met840Ile (NM_000267.4); short protein forms M840I.
Identifiers: ClinVar variation 1792544 (VCV001792544.5), dbSNP rs2151429035, ClinGen allele CA398984168.
Genomic context (GRCh38, chr17:31,229,135, plus strand): 5'-GAGTGGAGGAGGATCCATAGATTTGTCTGACACAGACTCCCTACAGGAATGGATCAACAT[G>A]ACTGGCTTCCTTTGTGCCCTTGGGGGAGTGTGCCTCCAGCAGAGAAGCAATTCTGGCCTG-3'
Protein context (NP_001035957.1, residues 830-850): DTDSLQEWIN[Met840Ile]TGFLCALGGV